The following is an entry in ClinVar:

NM_001370259.2(MEN1):c.147dup (p.Val50fs)

Gene: MEN1 (menin 1; minus strand). Cytogenetic location: 11q13.1.
Variant type: Duplication.
Coding change: c.147dup on transcript NM_001370259.2 (MANE Select); coding-DNA position 147, one base duplicated (T; older notation c.147dupT).
Protein change: p.Val50fs; shifts the reading frame from valine 50.
Molecular consequence: frameshift variant.
Genome position (GRCh38, 1-based): chr11:64,809,963, A duplicated on the plus strand (T on the coding strand, the reverse complement: MEN1 is on the minus strand). VCF-style (leftmost placement, unchanged base first): chr11-64809962-C-CA. GRCh37 (hg19) VCF-style: chr11-64577434-C-CA.
Other names: c.147dup, p.Val50fs (NM_000244.4, NM_001370251.2, NM_001370260.2 and 9 more transcripts); c.147dupT (NM_130799.2); short protein forms V50fs.
Identifiers: ClinVar variation 200995 (VCV000200995.2), dbSNP rs794728638, ClinGen allele CA306383.

ClinVar aggregate classification (germline): Pathogenic (1 of 4 stars; one submission).

Submission:

GeneDx
Classification: Pathogenic. Last evaluated: 2013-07-25. Review status: criteria provided, single submitter. Criteria: GeneDx Variant Classification (06012015). Collection method: clinical testing. Allele origin: germline. Affected: yes.
Comment: The c.147dupT mutation in the MEN1 gene causes a frameshift starting with codon Valine 50, changes this amino acid to a Cysteine residue and creates a premature Stop codon at position 67 of the new reading frame, denoted p.Val50CysfsX67. The normal sequence with the base that is inserted in braces is: GGCT{T}GTCA. This mutation is predicted to cause loss of normal protein function either through protein truncation or nonsense-mediated mRNA decay. Although this mutation has not been previously reported to our knowledge, its presence is consistent with a diagnosis of multiple endocrine neoplasia type 1. The variant is found in MEN1 panel(s).